The following is an entry in ClinVar:

ClinVar aggregate classification (germline): Uncertain significance. Review status: criteria provided, multiple submitters, no conflicts (2 of 4 stars). 2 submissions from 2 submitters: Uncertain significance (2). Last evaluated 2024-12-02.

Conditions:
Severe combined immunodeficiency due to DNA-PKcs deficiency. Also called: IMMUNODEFICIENCY 26 WITH NEUROLOGIC ABNORMALITIES; Immunodeficiency 26 with or without neurologic abnormalities. Identifiers: Orphanet 317425, MedGen C4014833, MONDO:0014423, OMIM 615966.

Allele frequency attached by ClinVar (database versions not stated): ExAC 0.00001; gnomAD exomes 0.00002; TOPMed 0.00003; gnomAD 0.00005.
gnomAD v4.1: 31 of 1,591,558 alleles (0.0019%); highest among the groups gnomAD compares: Admixed American, 0.011%; no homozygotes.

Submissions (2):

Labcorp Genetics (formerly Invitae), Labcorp
Classification: Uncertain significance for Severe combined immunodeficiency due to DNA-PKcs deficiency. Last evaluated: 2024-12-02. Review status: criteria provided, single submitter. Criteria: Invitae Variant Classification Sherloc (09022015). Collection method: clinical testing. Allele origin: germline.
Comment: This sequence change replaces arginine, which is basic and polar, with histidine, which is basic and polar, at codon 1527 of the PRKDC protein (p.Arg1527His). This variant is present in population databases (rs768314532, gnomAD 0.01%). This variant has not been reported in the literature in individuals affected with PRKDC-related conditions. ClinVar contains an entry for this variant (Variation ID: 958975). Invitae Evidence Modeling of protein sequence and biophysical properties (such as structural, functional, and spatial information, amino acid conservation, physicochemical variation, residue mobility, and thermodynamic stability) indicates that this missense variant is not expected to disrupt PRKDC protein function with a negative predictive value of 80%. In summary, the available evidence is currently insufficient to determine the role of this variant in disease. Therefore, it has been classified as a Variant of Uncertain Significance.

Fulgent Genetics
Classification: Uncertain significance for Severe combined immunodeficiency due to DNA-PKcs deficiency. Last evaluated: 2021-11-04. Review status: criteria provided, single submitter. Criteria: ACMG Guidelines, 2015. Collection method: clinical testing. Allele origin: unknown.

NM_006904.7(PRKDC):c.4580G>A (p.Arg1527His)

Gene: PRKDC (protein kinase, DNA-activated, catalytic subunit; minus strand). Cytogenetic location: 8q11.21.
Variant type: single nucleotide variant.
Coding change: c.4580G>A on transcript NM_006904.7 (MANE Select); coding-DNA position 4580, G replaced by A.
Protein change: p.Arg1527His; replaces arginine 1527 with histidine.
Molecular consequence: missense variant.
Genome position (GRCh38, 1-based): chr8:47,886,140, C>T on the plus strand (G>A on the coding strand, the complement: PRKDC is on the minus strand). VCF-style: chr8-47886140-C-T. GRCh37 (hg19) VCF-style: chr8-48798701-C-T.
Other names: c.4580G>A, p.Arg1527His (NM_001081640.2); short protein forms R1527H.
Identifiers: ClinVar variation 958975 (VCV000958975.8), dbSNP rs768314532, ClinGen allele CA4740854.